The following is an entry in ClinVar:

NM_001355436.2(SPTB):c.1339C>T (p.Gln447Ter)

Gene: SPTB (spectrin beta, erythrocytic; minus strand). Cytogenetic location: 14q23.3.
Variant type: single nucleotide variant.
Coding change: c.1339C>T on transcript NM_001355436.2 (MANE Select); coding-DNA position 1339, C replaced by T.
Protein change: p.Gln447Ter; replaces glutamine 447 with a stop codon.
Molecular consequence: nonsense.
Genome position (GRCh38, 1-based): chr14:64,796,559, G>A on the plus strand (C>T on the coding strand, the complement: SPTB is on the minus strand). VCF-style: chr14-64796559-G-A. GRCh37 (hg19) VCF-style: chr14-65263277-G-A.
Other names: c.1339C>T, p.Gln447Ter (NM_001024858.4, NM_001355437.2); short protein forms Q447*.
Identifiers: ClinVar variation 3729623 (VCV003729623.2).

ClinVar aggregate classification (germline): Pathogenic (1 of 4 stars; one submission).

Submission:

Labcorp Genetics (formerly Invitae), Labcorp
Classification: Pathogenic. Last evaluated: 2025-02-09. Review status: criteria provided, single submitter. Criteria: Invitae Variant Classification Sherloc (09022015). Collection method: clinical testing. Allele origin: germline.
Comment: This sequence change creates a premature translational stop signal (p.Gln447*) in the SPTB gene. It is expected to result in an absent or disrupted protein product. Loss-of-function variants in SPTB are known to be pathogenic (PMID: 1391962, 1498324, 8844207, 26830532, 27292444). This variant is not present in population databases (gnomAD no frequency). This variant has not been reported in the literature in individuals affected with SPTB-related conditions. For these reasons, this variant has been classified as Pathogenic.

Literature cited by the submitters: PubMed 1391962; PubMed 1498324; PubMed 8844207; PubMed 26830532; PubMed 27292444.